The following is an entry in ClinVar:

ClinVar aggregate classification (germline): Likely benign (0 of 4 stars; one submission).

Conditions:
RAD51B-related disorder. Also called: RAD51B-related condition.

Submission:

PreventionGenetics, part of Exact Sciences
Classification: Likely benign for RAD51B-related condition. Last evaluated: 2019-06-06. Review status: no assertion criteria provided. Collection method: clinical testing. Allele origin: germline.
Comment: This variant is classified as likely benign based on ACMG/AMP sequence variant interpretation guidelines (Richards et al. 2015 PMID: 25741868, with internal and published modifications).

NM_133510.4(RAD51B):c.316-8_316-3del

Gene: RAD51B (RAD51 paralog B; plus strand). Cytogenetic location: 14q24.1.
Variant type: Deletion.
Coding change: c.316-8_316-3del on transcript NM_133510.4 (MANE Select); 8 bases into the intron before coding-DNA position 316 through 3 bases into the intron before coding-DNA position 316, 6 bases deleted (TTTTTT; older notation c.316-8_316-3delTTTTTT).
Molecular consequence: intron variant.
Genome position (GRCh38, 1-based): chr14:67,864,995-67,865,000, TTTTTT deleted; deleting any 6 consecutive bases within chr14:67,864,962-67,865,000 gives the same sequence; the c. name uses the placement nearest the transcript's 3' end. VCF-style (leftmost placement, unchanged base first): chr14-67864961-CTTTTTT-C. GRCh37 (hg19) VCF-style: chr14-68331678-CTTTTTT-C.
Other names: c.316-8_316-3del (NM_001321818.2, NM_001321809.2, NM_001321821.2 and 6 more transcripts); c.-42-8_-42-3del (NM_001321817.2); c.202-8_202-3del (NM_001321815.1).
Identifiers: ClinVar variation 3038249 (VCV003038249.2), dbSNP rs745505141, ClinGen allele CA707973615.